The following is an entry in ClinVar:

ClinVar aggregate classification (germline): Likely benign. Review status: criteria provided, multiple submitters, no conflicts (2 of 4 stars). 4 submissions from 4 submitters: Likely benign (4). Last evaluated 2026-07-06.

Conditions:
Rhabdoid tumor predisposition syndrome 2 (RTPS2). Identifiers: Orphanet 231108, Orphanet 69077, MedGen C2750074, MONDO:0013224, OMIM 613325.

Allele frequency attached by ClinVar (database versions not stated): TOPMed 0.00001; ExAC 0.00003.
gnomAD v4.1: 7 of 1,581,362 alleles (0.00044%); highest among the groups gnomAD compares: Middle Eastern, 0.037%; no homozygotes.

Submissions (4):

Myriad Genetics, Inc.
Classification: Likely benign for Rhabdoid tumor predisposition syndrome 2. Last evaluated: 2026-07-06. Review status: criteria provided, single submitter. Criteria: Myriad Autosomal Dominant, Autosomal Recessive and X-Linked Classification Criteria (2023). Collection method: clinical testing. Allele origin: unknown.
Comment: This variant is considered likely benign. This variant is intronic and is not expected to impact mRNA splicing.

Labcorp Genetics (formerly Invitae), Labcorp
Classification: Likely benign for Rhabdoid tumor predisposition syndrome 2. Last evaluated: 2025-11-18. Review status: criteria provided, single submitter. Criteria: Invitae Variant Classification Sherloc (09022015). Collection method: clinical testing. Allele origin: germline.

Quest Diagnostics Nichols Institute San Juan Capistrano
Classification: Likely benign. Last evaluated: 2025-09-13. Review status: criteria provided, single submitter. Criteria: Quest Diagnostics criteria. Collection method: clinical testing. Allele origin: unknown.

Blueprint Genetics
Classification: Likely benign. Last evaluated: 2024-05-06. Review status: criteria provided, single submitter. Criteria: ACMG Guidelines, 2015. Collection method: clinical testing. Allele origin: germline.

NM_003072.5(SMARCA4):c.1419+10G>C

Gene: SMARCA4 (SWI/SNF related BAF chromatin remodeling complex subunit ATPase 4; plus strand). Cytogenetic location: 19p13.2.
Variant type: single nucleotide variant.
Coding change: c.1419+10G>C on transcript NM_003072.5 (MANE Select); 10 bases into the intron after coding-DNA position 1419, G replaced by C.
Molecular consequence: intron variant.
Genome position (GRCh38, 1-based): chr19:10,991,333, G>C. VCF-style: chr19-10991333-G-C. GRCh37 (hg19) VCF-style: chr19-11102009-G-C.
Other names: c.1419+10G>C (NM_001128844.3, NM_001128849.3, NM_001128847.4 and 5 more transcripts).
Identifiers: ClinVar variation 470244 (VCV000470244.14), dbSNP rs759831368, ClinGen allele CA9203768.